The following is an entry in ClinVar:

ClinVar aggregate classification (germline): Uncertain significance. Review status: criteria provided, multiple submitters, no conflicts (2 of 4 stars). 2 submissions from 2 submitters: Uncertain significance (2). Last evaluated 2025-08-05.

Conditions:
Inborn genetic diseases. Identifiers: MedGen C0950123, MeSH D030342.
Dystonic disorder. Also called: Dystonia. Identifiers: MedGen C0013421, MONDO:0003441, HP:0001332.

Allele frequency attached by ClinVar (database versions not stated): gnomAD 0.00001; gnomAD exomes 0.00001; TOPMed 0.00001.
gnomAD v4.1: 20 of 1,613,974 alleles (0.0012%); highest among the groups gnomAD compares: Non-Finnish European, 0.0017%; no homozygotes.

Submissions (2):

Ambry Genetics
Classification: Uncertain significance for Inborn genetic diseases. Last evaluated: 2025-08-05. Review status: criteria provided, single submitter. Criteria: Ambry Variant Classification Scheme 2023. Collection method: clinical testing. Allele origin: germline.

Labcorp Genetics (formerly Invitae), Labcorp
Classification: Uncertain significance for Dystonic disorder. Last evaluated: 2022-08-21. Review status: criteria provided, single submitter. Criteria: Invitae Variant Classification Sherloc (09022015). Collection method: clinical testing. Allele origin: germline.
Comment: In summary, the available evidence is currently insufficient to determine the role of this variant in disease. Therefore, it has been classified as a Variant of Uncertain Significance. Advanced modeling of protein sequence and biophysical properties (such as structural, functional, and spatial information, amino acid conservation, physicochemical variation, residue mobility, and thermodynamic stability) performed at Invitae indicates that this missense variant is not expected to disrupt ANO3 protein function. This variant has not been reported in the literature in individuals affected with ANO3-related conditions. This variant is present in population databases (no rsID available, gnomAD 0.002%). This sequence change replaces valine, which is neutral and non-polar, with methionine, which is neutral and non-polar, at codon 570 of the ANO3 protein (p.Val570Met).

NM_031418.4(ANO3):c.1708G>A (p.Val570Met)

Gene: ANO3 (anoctamin 3; plus strand). Cytogenetic location: 11p14.2.
Variant type: single nucleotide variant.
Coding change: c.1708G>A on transcript NM_031418.4 (MANE Select); coding-DNA position 1708, G replaced by A.
Protein change: p.Val570Met; replaces valine 570 with methionine.
Molecular consequence: missense variant.
Genome position (GRCh38, 1-based): chr11:26,599,586, G>A. VCF-style: chr11-26599586-G-A. GRCh37 (hg19) VCF-style: chr11-26621133-G-A.
Other names: c.1891G>A, p.Val631Met (NM_001313726.2); c.1270G>A, p.Val424Met (NM_001313727.2); c.1708G>A (NM_031418.2); short protein forms V424M, V570M, V631M.
Identifiers: ClinVar variation 2203294 (VCV002203294.5), dbSNP rs1261162093, ClinGen allele CA379941383.